The following is an entry in ClinVar:

ClinVar aggregate classification (germline): Uncertain significance (1 of 4 stars; one submission).

Allele frequency attached by ClinVar (database versions not stated): gnomAD exomes below 0.00001; ExAC 0.00001.

Submission:

Ambry Genetics
Classification: Uncertain significance. Last evaluated: 2022-11-16. Review status: criteria provided, single submitter. Criteria: Ambry Variant Classification Scheme 2023. Collection method: clinical testing. Allele origin: germline.
Comment: The p.A345V variant (also known as c.1034C>T), located in coding exon 11 of the KIF1B gene, results from a C to T substitution at nucleotide position 1034. The alanine at codon 345 is replaced by valine, an amino acid with similar properties. This amino acid position is highly conserved in available vertebrate species. In addition, this alteration is predicted to be deleterious by in silico analysis. The evidence for this gene-disease relationship is limited; therefore, the clinical significance of this alteration is unclear.

NM_001365951.3(KIF1B):c.1052C>T (p.Ala351Val)

Gene: KIF1B (kinesin family member 1B; plus strand). Cytogenetic location: 1p36.22.
Variant type: single nucleotide variant.
Coding change: c.1052C>T on transcript NM_001365951.3 (MANE Select); coding-DNA position 1052, C replaced by T.
Protein change: p.Ala351Val; replaces alanine 351 with valine.
Molecular consequence: missense variant.
Genome position (GRCh38, 1-based): chr1:10,278,000, C>T. VCF-style: chr1-10278000-C-T. GRCh37 (hg19) VCF-style: chr1-10338058-C-T.
Other names: c.1052C>T, p.Ala351Val (NM_001365952.1); c.1034C>T, p.Ala345Val (NM_001365953.1, NM_015074.3, NM_183416.4); short protein forms A345V, A351V.
Identifiers: ClinVar variation 2448695 (VCV002448695.2), dbSNP rs773162220, ClinGen allele CA580884.